The following is an entry in ClinVar:

NM_005450.6(NOG):c.611G>A (p.Arg204Gln)

Gene: NOG (noggin; plus strand). Cytogenetic location: 17q22.
Variant type: single nucleotide variant.
Coding change: c.611G>A on transcript NM_005450.6 (MANE Select); coding-DNA position 611, G replaced by A.
Protein change: p.Arg204Gln; replaces arginine 204 with glutamine.
Molecular consequence: missense variant.
Genome position (GRCh38, 1-based): chr17:56,594,834, G>A. VCF-style: chr17-56594834-G-A. GRCh37 (hg19) VCF-style: chr17-54672195-G-A.
Other names: short protein forms R204Q.
Identifiers: ClinVar variation 375295 (VCV000375295.9), dbSNP rs104894610, ClinGen allele CA16044047.
Genomic context (GRCh38, chr17:56,594,834, plus strand): 5'-GCTCCGTGCCCGAGGGCATGGTGTGCAAGCCGTCCAAGTCCGTGCACCTCACGGTGCTGC[G>A]GTGGCGCTGTCAGCGGCGCGGGGGCCAGCGCTGCGGCTGGATTCCCATCCAGTACCCCAT-3'
Protein context (NP_005441.1, residues 194-214): PSKSVHLTVL[Arg204Gln]WRCQRRGGQR

ClinVar aggregate classification (germline): Conflicting classifications of pathogenicity. Review status: criteria provided, conflicting classifications (1 of 4 stars). 3 submissions from 3 submitters: Likely pathogenic (1); Uncertain significance (1). 1 of the submissions does not count toward it. Last evaluated 2022-09-12.

Conditions:
Tarsal-carpal coalition syndrome. Identifiers: Orphanet 1412, MedGen C1861305, MONDO:0008521, OMIM 186570.
Symphalangism-brachydactyly syndrome (SYNS1). Also called: DEAFNESS-SYMPHALANGISM SYNDROME OF HERRMANN; FACIOAUDIOSYMPHALANGISM SYNDROME; WL SYNDROME; Multiple synostoses syndrome 1. Identifiers: Orphanet 3237, MedGen C0342282, MONDO:0008519, OMIM 186500.
Brachydactyly type B2 (BDB2). Identifiers: Orphanet 140908, MedGen C1969652, MONDO:0012658, OMIM 611377.
Stapes ankylosis with broad thumbs and toes. Also called: ANKYLOSIS OF STAPES, HYPEROPIA, BROAD THUMBS, BROAD FIRST TOES, AND SYNDACTYLY; TEUNISSEN-CREMERS SYNDROME; STAPES ANKYLOSIS SYNDROME WITHOUT SYMPHALANGISM. Identifiers: Orphanet 140917, MedGen C1866656, MONDO:0008484, OMIM 184460.
Proximal symphalangism 1A. Also called: CUSHING SYMPHALANGISM; HEREDITARY ABSENCE OF THE PROXIMAL INTERPHALANGEAL JOINTS. Identifiers: Orphanet 3250, MedGen C3714899, MONDO:0020733, OMIM 185800.

Submissions (3):

Labcorp Genetics (formerly Invitae), Labcorp
Classification: Uncertain significance. Last evaluated: 2022-09-12. Review status: criteria provided, single submitter. Criteria: Invitae Variant Classification Sherloc (09022015). Collection method: clinical testing. Allele origin: germline.
Comment: ClinVar contains an entry for this variant (Variation ID: 375295). This sequence change replaces arginine, which is basic and polar, with glutamine, which is neutral and polar, at codon 204 of the NOG protein (p.Arg204Gln). This variant is not present in population databases (gnomAD no frequency). This missense change has been observed in individual(s) with tarsal-carpal coalition syndrome (PMID: 29159868). It has also been observed to segregate with disease in related individuals. Algorithms developed to predict the effect of missense changes on protein structure and function (SIFT, PolyPhen-2, Align-GVGD) all suggest that this variant is likely to be disruptive. In summary, the available evidence is currently insufficient to determine the role of this variant in disease. Therefore, it has been classified as a Variant of Uncertain Significance.

Diagnostics Division, CENTRE FOR DNA FINGERPRINTING AND DIAGNOSTICS
Classification: Likely pathogenic for Tarsal-carpal coalition syndrome. Last evaluated: 2016-01-01. Review status: criteria provided, single submitter. Criteria: ACMG Guidelines, 2015. Collection method: research. Allele origin: germline. Affected: yes. Observed: 1 heterozygote.
Comment: Missense variant

Clinical Genomics Laboratory, Stanford Medicine
Classification: Likely pathogenic for Stapes ankylosis with broad thumbs and toes; Proximal symphalangism 1A; Symphalangism-brachydactyly syndrome; Tarsal-carpal coalition syndrome; Brachydactyly type B2. Last evaluated: 2020-05-06. Review status: no assertion criteria provided. Collection method: clinical testing. Allele origin: germline. Inheritance: Autosomal dominant inheritance. Affected: yes. Not counted in ClinVar's aggregate classification.
Comment: The p.Arg204Gln variant in the NOG gene has been previously reported in 3 related individuals from 1 family with tarsal-carpal coalition syndrome. This variant co-segregated with disease in affected family members presenting with variable skeletal anomalies including proximal symphalangism and carpal and tarsal fusion (Das Bhowmik et al., 2018). The p.Arg204Gln variant was absent from large population databases, including the Genome Aggregation Database. Notably, a different amino acid change (p.Arg204Leu) has been previously reported at this residue, as well as amino acid changes at nearby residues (p.Leu203Pro, p.Trp205Cys), suggesting the p.Arg204Gln variant may occur in a mutational hotspot of the NOG gene. Computational tools predict that the p.Arg204Gln variant is deleterious; however, the accuracy of in silicoalgorithms is limited. These data were assessed using the ACMG/AMP variant interpretation guidelines. In summary, there is sufficient evidence to classify the p.Arg204Gln variant as likely pathogenic for a NOG-related disorder in an autosomal dominant manner based on the information above. [ACMG evidence codes used: PS2_Moderate; PM1_supporting; PM2; PP3]

Literature cited by the submitters: PubMed 29159868 (cited by Labcorp Genetics (formerly Invitae), Labcorp).